The following is an entry in ClinVar:

NM_002294.3(LAMP2):c.269_278del (p.Val90fs)

Gene: LAMP2 (lysosome associated membrane protein 2; minus strand). Cytogenetic location: Xq24.
Variant type: Deletion.
Coding change: c.269_278del on transcript NM_002294.3 (MANE Select); coding-DNA positions 269 to 278, 10 bases deleted (TGCAGTTCGG; older notation c.269_278delTGCAGTTCGG).
Protein change: p.Val90fs; shifts the reading frame from valine 90.
Molecular consequence: frameshift variant.
Genome position (GRCh38, 1-based): chrX:120,455,476-120,455,485, CCGAACTGCA deleted on the plus strand (TGCAGTTCGG on the coding strand, the reverse complement: LAMP2 is on the minus strand); deleting any 10 consecutive bases within chrX:120,455,476-120,455,486 gives the same sequence; the c. name uses the placement nearest the transcript's 3' end. VCF-style (leftmost placement, unchanged base first): chrX-120455475-TCCGAACTGCA-T. GRCh37 (hg19) VCF-style: chrX-119589330-TCCGAACTGCA-T.
Other names: c.269_278del, p.Val90fs (NM_001122606.1, NM_013995.2); short protein forms V90fs.
Identifiers: ClinVar variation 4719161 (VCV004719161.1).

ClinVar aggregate classification (germline): Pathogenic (1 of 4 stars; one submission).

Conditions:
Danon disease. Also called: ANTOPOL DISEASE; PSEUDOGLYCOGENOSIS II; GSD IIb; LYSOSOMAL GLYCOGEN STORAGE DISEASE WITHOUT ACID MALTASE DEFICIENCY; Glycogen Storage Disease Type IIb. Identifiers: Orphanet 34587, MedGen C0878677, MONDO:0010281, OMIM 300257.

Submission:

Labcorp Genetics (formerly Invitae), Labcorp
Classification: Pathogenic for Danon disease. Last evaluated: 2025-05-07. Review status: criteria provided, single submitter. Criteria: Invitae Variant Classification Sherloc (09022015). Collection method: clinical testing. Allele origin: germline.
Comment: This sequence change creates a premature translational stop signal (p.Val90Aspfs*55) in the LAMP2 gene. It is expected to result in an absent or disrupted protein product. Loss-of-function variants in LAMP2 are known to be pathogenic (PMID: 21415759). This variant is not present in population databases (gnomAD no frequency). This variant has not been reported in the literature in individuals affected with LAMP2-related conditions. For these reasons, this variant has been classified as Pathogenic.

Literature cited by the submitters: PubMed 21415759.